The following is an entry in ClinVar:

ClinVar aggregate classification (germline): Uncertain significance (1 of 4 stars; one submission).

Conditions:
TTN-related disorder. Also called: TTN-related disorders; TTN-related condition; TTN-related disease.

Submission:

PreventionGenetics, part of Exact Sciences
Classification: Uncertain significance for TTN-related condition. Last evaluated: 2026-07-23. Review status: criteria provided, single submitter. Criteria: ACMG Guidelines, 2015. Collection method: clinical testing. Allele origin: germline.
Comment: The TTN c.87341G>C variant is predicted to result in the amino acid substitution p.Arg29114Thr. To our knowledge, this variant has not been reported in the literature or in a large population database (gnomAD), indicating this variant is rare. At this time, the clinical significance of this variant is uncertain due to the absence of conclusive functional and genetic evidence.

NM_001267550.2(TTN):c.87341G>C (p.Arg29114Thr)

Genes: TTN (titin; minus strand), TTN-AS1 (TTN antisense RNA 1; plus strand). Cytogenetic location: 2q31.2.
Variant type: single nucleotide variant.
Coding change: c.87341G>C on transcript NM_001267550.2 (MANE Select); coding-DNA position 87341, G replaced by C.
Protein change: p.Arg29114Thr; replaces arginine 29114 with threonine.
Molecular consequence: missense variant.
Genome position (GRCh38, 1-based): chr2:178,558,013, C>G on the plus strand (G>C on the coding strand, the complement: TTN is on the minus strand). VCF-style: chr2-178558013-C-G. GRCh37 (hg19) VCF-style: chr2-179422740-C-G.
Other names: c.82418G>C, p.Arg27473Thr (NM_001256850.1); c.60146G>C, p.Arg20049Thr (NM_003319.4); c.79637G>C, p.Arg26546Thr (NM_133378.4); c.60521G>C, p.Arg20174Thr (NM_133432.3); c.60722G>C, p.Arg20241Thr (NM_133437.4); short protein forms R20049T, R20174T, R26546T, R20241T, R27473T, R29114T.
Identifiers: ClinVar variation 4991476 (VCV004991476.1).